The following is an entry in ClinVar:

ClinVar aggregate classification (germline): Conflicting classifications of pathogenicity. Review status: criteria provided, conflicting classifications (1 of 4 stars). 9 submissions from 9 submitters: Pathogenic (1); Likely pathogenic (1); Uncertain significance (2); Benign (1); Likely benign (1). 3 of the submissions do not count toward it. Last evaluated 2026-02-04.

Conditions:
COL7A1-related disorder. Also called: COL7A1-related condition; COL7A1- related disorders.
Inborn genetic diseases. Identifiers: MedGen C0950123, MeSH D030342.
Epidermolysis bullosa dystrophica. Also called: Dystrophic epidermolysis bullosa, Hallopeau-Siemens type (formerly); Dystrophic epidermolysis bullosa. Identifiers: Orphanet 303, MedGen C0079294, MONDO:0006543.
Recessive dystrophic epidermolysis bullosa (RDEB). Also called: Hallopeau-Siemens Disease; Epidermolysis Bullosa Distrophica Autosomal Recessive (RDEB); EPIDERMOLYSIS BULLOSA DYSTROPHICA, GENERALIZED SEVERE, AUTOSOMAL RECESSIVE; epidermolysis bullosa dystrophica, autosomal recessive; Recessive DEB (RDEB); DYSTROPHIC EPIDERMOLYSIS BULLOSA, AUTOSOMAL RECESSIVE. Identifiers: Orphanet 79408, Orphanet 79409, MedGen C0079474, MONDO:0009179, OMIM 226600.
Epidermolysis bullosa dystrophica inversa, autosomal recessive. Identifiers: MedGen C2673612.

Allele frequency attached by ClinVar (database versions not stated): 1000 Genomes Project 0.00040; 1000 Genomes Project 30x 0.00047; gnomAD 0.00107 and 0.00109; ESP Exome Variant Server 0.00154; gnomAD exomes 0.00160 and 0.00110; ExAC 0.00201; TOPMed 0.00122.
gnomAD v4.1: 2,511 of 1,604,438 alleles (0.16%); highest among the groups gnomAD compares: Non-Finnish European, 0.19%; 3 homozygotes.

Submissions (9):

Labcorp Genetics (formerly Invitae), Labcorp
Classification: Benign. Last evaluated: 2026-02-04. Review status: criteria provided, single submitter. Criteria: Invitae Variant Classification Sherloc (09022015). Collection method: clinical testing. Allele origin: germline.

PreventionGenetics, part of Exact Sciences
Classification: Likely benign for COL7A1-related condition. Last evaluated: 2025-10-07. Review status: criteria provided, single submitter. Criteria: ACMG Guidelines, 2015. Collection method: clinical testing. Allele origin: germline.
Comment: This variant is classified as likely benign based on ACMG/AMP sequence variant interpretation guidelines (Richards et al. 2015 PMID: 25741868, with internal and published modifications).

Blueprint Genetics
Classification: Likely pathogenic for COL7A1-related disorders. Last evaluated: 2024-11-25. Review status: criteria provided, single submitter. Criteria: ACMG Guidelines, 2015. Collection method: clinical testing. Allele origin: germline. Affected: yes. Observed: 5 variant alleles.

Illumina Laboratory Services, Illumina
Classification: Uncertain significance for Dystrophic epidermolysis bullosa. Last evaluated: 2017-04-27. Review status: criteria provided, single submitter. Criteria: ICSL Variant Classification Criteria 13 December 2019. Collection method: clinical testing. Allele origin: germline.
Comment: This variant was observed as part of a predisposition screen in an ostensibly healthy population. A literature search was performed for the gene, cDNA change, and amino acid change (where applicable). Publications were found based on this search. However, the evidence from the literature, in combination with allele frequency data from public databases where available, was not sufficient to rule this variant in or out of causing disease. Therefore, this variant is classified as a variant of unknown significance.

Ambry Genetics
Classification: Uncertain significance for Inborn genetic diseases. Last evaluated: 2015-09-01. Review status: criteria provided, single submitter. Criteria: Ambry exome assertion method (8-5-2015). Collection method: clinical testing. Allele origin: germline. Affected: yes. Observed: 1 variant allele.

HUSP Clinical Genetics Laboratory, Hospital Universitario San Pedro De Logroño (HUSP)
Classification: Pathogenic for Recessive dystrophic epidermolysis bullosa. Review status: criteria provided, single submitter. Criteria: ACMG Guidelines, 2015. Collection method: clinical testing. Allele origin: unknown. Inheritance: Autosomal recessive inheritance. Affected: yes. Observed: 1 variant allele.
Comment: The c.7624G>A variant in the 103 exon of the COL7A1 (NM_000094.4) gen results in a change of the predicted protein because of a substitution of a glycine amino acid for arginine (p.Gly2542Arg). This variant has not been reported previously in the literature and it is not detected in general population. The variant c.8371C>T results in a substitution of an arginine amino acid for tryptophane (p.Arg2791Trp). Pathogenic variants in the COL7A1 gene have been associated with the following phenotype: Epidermolysis bullosa dystrophica (OMIM: 226600), with autosomal recesive inheritance. The father was not available to be analyzed.

Natera, Inc.
Classification: Uncertain significance for Autosomal recessive epidermolysis bullosa dystrophica inversa. Last evaluated: 2020-09-16. Review status: no assertion criteria provided. Collection method: clinical testing. Allele origin: germline. Not counted in ClinVar's aggregate classification.

Knight Diagnostic Laboratories, Oregon Health and Sciences University
Classification: Likely pathogenic for Recessive dystrophic epidermolysis bullosa. Last evaluated: 2014-10-13. Review status: no assertion criteria provided. Criteria: ACMG Guidelines, 2007. Collection method: clinical testing. Allele origin: germline. Inheritance: Autosomal recessive inheritance. Affected: no. Not counted in ClinVar's aggregate classification.

Department of Pathology and Laboratory Medicine, Sinai Health System
Classification: Uncertain significance. Review status: no assertion criteria provided. Collection method: clinical testing. Allele origin: unknown. Affected: yes. Study: The Canadian Open Genetics Repository (COGR). Not counted in ClinVar's aggregate classification.
Comment: The COL7A1 p.Arg2791Trp variant was identified in the literature as a compound heterozygous variant in 1 of 14 patients with dystrophic epidermolysis bullosa (Dang_2007_PMID:17425959). The variant was identified in dbSNP (ID: rs142566193), ClinVar (classified as likely pathogenic by Knight Diagnostic Laboratories,Oregon Health and Sciences University, and as uncertain significance by Ambry Genetics) and LOVD 3.0 (classified as pathogenic, likely pathogenic and VUS). The variant was identified in control databases in 284 of 262690 chromosomes (2 homozygous) at a frequency of 0.001081 increasing the likelihood this could be a low frequency benign variant (Genome Aggregation Database March 6, 2019, v2.1.1). The variant was observed in the following populations: European (non-Finnish) in 213 of 120204 chromosomes (freq: 0.001772), Other in 8 of 6758 chromosomes (freq: 0.001184), European (Finnish) in 22 of 23032 chromosomes (freq: 0.000955), African in 14 of 23204 chromosomes (freq: 0.000603), Latino in 16 of 32778 chromosomes (freq: 0.000488) and South Asian in 11 of 28376 chromosomes (freq: 0.000388), but was not observed in the Ashkenazi Jewish or East Asian populations. The p.Arg2791 residue is conserved across mammals and other organisms, and four out of five computational analyses (PolyPhen-2, SIFT, AlignGVGD, BLOSUM, MutationTaster) suggest that the variant may impact the protein; however, this information is not predictive enough to assume pathogenicity. The variant occurs outside of the splicing consensus sequence and in silico or computational prediction software programs (SpliceSiteFinder, MaxEntScan, NNSPLICE, GeneSplicer) do not predict a difference in splicing. In summary, based on the above information the clinical significance of this variant cannot be determined with certainty at this time. This variant is classified as a variant of uncertain significance.

Literature cited by the submitters: PubMed 21448560 (cited by Illumina Laboratory Services, Illumina); PubMed 16971478 (cited by Illumina Laboratory Services, Illumina and Ambry Genetics); PubMed 17425959 (cited by Illumina Laboratory Services, Illumina and Ambry Genetics); PubMed 10504458 (cited by Illumina Laboratory Services, Illumina and Ambry Genetics); PubMed 23786535 (cited by Ambry Genetics); PubMed 24252097 (cited by Ambry Genetics).

NM_000094.4(COL7A1):c.8371C>T (p.Arg2791Trp)

Gene: COL7A1 (collagen type VII alpha 1 chain; minus strand). Cytogenetic location: 3p21.31.
Variant type: single nucleotide variant.
Coding change: c.8371C>T on transcript NM_000094.4 (MANE Select); coding-DNA position 8371, C replaced by T.
Protein change: p.Arg2791Trp; replaces arginine 2791 with tryptophan.
Molecular consequence: missense variant.
Genome position (GRCh38, 1-based): chr3:48,566,303, G>A on the plus strand (C>T on the coding strand, the complement: COL7A1 is on the minus strand). VCF-style: chr3-48566303-G-A. GRCh37 (hg19) VCF-style: chr3-48603736-G-A.
Other names: short protein forms R2791W.
Identifiers: ClinVar variation 212731 (VCV000212731.19), dbSNP rs142566193, ClinGen allele CA277148.